The following is an entry in ClinVar:

NM_000492.4(CFTR):c.1437G>C (p.Glu479Asp)

Genes: CFTR (CF transmembrane conductance regulator; plus strand), CFTR-AS1 (CFTR antisense RNA 1; minus strand). Cytogenetic location: 7q31.2.
Variant type: single nucleotide variant.
Coding change: c.1437G>C on transcript NM_000492.4 (MANE Select); coding-DNA position 1437, G replaced by C.
Protein change: p.Glu479Asp; replaces glutamic acid 479 with aspartic acid.
Molecular consequence: missense variant.
Genome position (GRCh38, 1-based): chr7:117,559,508, G>C. VCF-style: chr7-117559508-G-C. GRCh37 (hg19) VCF-style: chr7-117199562-G-C.
Other names: short protein forms E479D.
Identifiers: ClinVar variation 439478 (VCV000439478.30), dbSNP rs754152822, ClinGen allele CA4451005.
Genomic context (GRCh38, chr7:117,559,508, plus strand): 5'-TGGGTTTTATTTCCAGACTTCACTTCTAATGGTGATTATGGGAGAACTGGAGCCTTCAGA[G>C]GGTAAAATTAAGCACAGTGGAAGAATTTCATTCTGTTCTCAGTTTTCCTGGATTATGCCT-3'
Protein context (NP_000483.3, residues 469-489): MVIMGELEPS[Glu479Asp]GKIKHSGRIS

ClinVar aggregate classification (germline): Uncertain significance. Review status: criteria provided, multiple submitters, no conflicts (2 of 4 stars). 10 submissions from 10 submitters: Uncertain significance (9). 1 of the submissions does not count toward it. Last evaluated 2026-05-05.

Conditions:
CFTR-related disorder (CFTR-RD). Also called: CFTR-related condition; CFTR-related disorders. Identifiers: MedGen C5924204, MONDO:7770004.
Congenital bilateral aplasia of vas deferens from CFTR mutation (CBAVD). Identifiers: Orphanet 48, MedGen C0403814, MONDO:0010178, OMIM 277180. Disease mechanism: loss of function.
Hereditary pancreatitis (PCTT). Also called: Hereditary chronic pancreatitis; PRSS1-Related Hereditary Pancreatitis. Identifiers: Orphanet 676, MedGen C0238339, MONDO:0008185, OMIM 167800.
Cystic fibrosis (CF). Also called: MUCOVISCIDOSIS. Identifiers: Orphanet 586, MedGen C0010674, MONDO:0009061, OMIM 219700. Disease mechanism: loss of function.
Bronchiectasis with or without elevated sweat chloride 1 (BESC1). Also called: Cystic Fibrosis-Like Syndrome. Identifiers: Orphanet 60033, MedGen C2749757, MONDO:0008887, OMIM 211400.

Allele frequency attached by ClinVar (database versions not stated): gnomAD 0.00001; ExAC 0.00002; gnomAD exomes 0.00006.
gnomAD v4.1: 22 of 1,611,702 alleles (0.0014%); highest among the groups gnomAD compares: Admixed American, 0.032%; no homozygotes.

Submissions (10):

Women's Health and Genetics/Laboratory Corporation of America, LabCorp
Classification: Uncertain significance. Last evaluated: 2026-05-05. Review status: criteria provided, single submitter. Criteria: LabCorp Variant Classification Summary - May 2015. Collection method: clinical testing. Allele origin: germline.
Comment: Variant summary: CFTR c.1437G>C (p.Glu479Asp) results in a conservative amino acid change in the encoded protein sequence. Algorithms developed to predict the effect of missense changes on protein structure and function are either unavailable or do not agree on the potential impact of this missense change. The variant allele was found at a frequency of 5.6e-05 in 251304 control chromosomes. This frequency is not significantly higher than estimated for disease-causing variants in CFTR, allowing no conclusion about variant significance. c.1437G>C has been observed in an asymptomatic individual without any clinical symptoms of CF, undergoing carrier screening, initially identified on basis of a false positive homozygosity for p.Phe508del allele and subsequently found to harbor one copy of this variant with p.Phe508del (Schwartz_2009). It has also been reported as a non-informative genotype (second allele/zygosity not specified) in the Ecuadorian Cystic Fibrosis Foundation cohort (Ruiz-Cabezas_2019). These reports do not provide unequivocal conclusions about association of the variant with Cystic Fibrosis. To our knowledge, no experimental evidence demonstrating an impact on protein function has been reported. The following publications have been ascertained in the context of this evaluation (PMID: 19324992, 30763667). ClinVar contains an entry for this variant (Variation ID: 439478). Based on the evidence outlined above, the variant was classified as uncertain significance.

PreventionGenetics, part of Exact Sciences
Classification: Uncertain significance for CFTR-related condition. Last evaluated: 2026-01-23. Review status: criteria provided, single submitter. Criteria: ACMG Guidelines, 2015. Collection method: clinical testing. Allele origin: germline.
Comment: The CFTR c.1437G>C variant is predicted to result in the amino acid substitution p.Glu479Asp. This variant has been reported in individuals with Cystic fibrosis (Schwartz et al. 2009. PubMed ID: 19324992; Ruiz-Cabezas et al. 2019. PubMed ID: 30763667). This variant is reported in 0.040% of alleles in individuals of Latino descent in gnomAD. At this time, the clinical significance of this variant is uncertain due to the absence of conclusive functional and genetic evidence.

Labcorp Genetics (formerly Invitae), Labcorp
Classification: Uncertain significance for Cystic fibrosis. Last evaluated: 2025-10-01. Review status: criteria provided, single submitter. Criteria: Invitae Variant Classification Sherloc (09022015). Collection method: clinical testing. Allele origin: germline.
Comment: This sequence change replaces glutamic acid, which is acidic and polar, with aspartic acid, which is acidic and polar, at codon 479 of the CFTR protein (p.Glu479Asp). This variant is present in population databases (rs754152822, gnomAD 0.04%). This missense change has been observed in individual(s) with cystic fibrosis (PMID: 30763667). ClinVar contains an entry for this variant (Variation ID: 439478). Invitae Evidence Modeling of protein sequence and biophysical properties (such as structural, functional, and spatial information, amino acid conservation, physicochemical variation, residue mobility, and thermodynamic stability) indicates that this missense variant is not expected to disrupt CFTR protein function with a negative predictive value of 80%. In summary, the available evidence is currently insufficient to determine the role of this variant in disease. Therefore, it has been classified as a Variant of Uncertain Significance.

Ambry Genetics
Classification: Uncertain significance for Cystic fibrosis. Last evaluated: 2025-01-14. Review status: criteria provided, single submitter. Criteria: Ambry Variant Classification Scheme 2023. Collection method: clinical testing. Allele origin: germline.
Comment: The p.E479D variant (also known as c.1437G>C), located in coding exon 11 of the CFTR gene, results from a G to C substitution at nucleotide position 1437. The glutamic acid at codon 479 is replaced by aspartic acid, an amino acid with highly similar properties. This variant was detected in an individual without clinical symptoms of cystic fibrosis in conjunction with the p.F508del mutation; however, the phase of the alterations was not provided (Schwartz KM et al. J Mol Diagn, 2009 May;11:211-5). This variant was also detected in the heterozygous state in an individual with cystic fibrosis (Ruiz-Cabezas JC et al. Gene, 2019 May;696:28-32). This amino acid position is well conserved in available vertebrate species. In addition, the in silico prediction for this alteration is inconclusive. Based on the available evidence, the clinical significance of this variant remains unclear.

Fulgent Genetics
Classification: Uncertain significance for Hereditary pancreatitis; Bronchiectasis with or without elevated sweat chloride 1; Cystic fibrosis; Congenital bilateral aplasia of vas deferens from CFTR mutation. Last evaluated: 2021-11-18. Review status: criteria provided, single submitter. Criteria: ACMG Guidelines, 2015. Collection method: clinical testing. Allele origin: unknown.

Genome-Nilou Lab
Classification: Uncertain significance for Cystic fibrosis. Last evaluated: 2021-09-05. Review status: criteria provided, single submitter. Criteria: ACMG Guidelines, 2015. Collection method: clinical testing. Allele origin: germline. Affected: no.

GeneDx
Classification: Uncertain significance. Last evaluated: 2021-06-04. Review status: criteria provided, single submitter. Criteria: GeneDx Variant Classification Process June 2021. Collection method: clinical testing. Allele origin: germline. Affected: yes.
Comment: In silico analysis supports that this missense variant does not alter protein structure/function; Observed in the heterozygous state in a patient with suspected cystic fibrosis and with a pathogenic CFTR variant (phase unknown) in an asymptomatic individual (Schwartz 2009, Ruiz-Cabezas 2019); This variant is associated with the following publications: (PMID: 27535533, 19324992, 30763667)

Quest Diagnostics Nichols Institute San Juan Capistrano
Classification: Uncertain significance. Last evaluated: 2020-04-17. Review status: criteria provided, single submitter. Criteria: Quest Diagnostics criteria. Collection method: clinical testing. Allele origin: unknown.

ARUP Laboratories, Molecular Genetics and Genomics, ARUP Laboratories
Classification: Uncertain significance. Last evaluated: 2016-11-16. Review status: criteria provided, single submitter. Criteria: ARUP Molecular Germline Variant Investigation Process. Collection method: clinical testing. Allele origin: germline.

Natera, Inc.
Classification: Uncertain significance for CFTR-related disorders. Last evaluated: 2018-07-06. Review status: no assertion criteria provided. Collection method: clinical testing. Allele origin: germline. Not counted in ClinVar's aggregate classification.

Literature cited by the submitters: PubMed 19324992 (cited by 3 submitters); PubMed 30763667 (cited by 4 submitters).